The following is an entry in ClinVar:

ClinVar aggregate classification (germline): Uncertain significance. Review status: reviewed by expert panel (3 of 4 stars). 4 submissions from 4 submitters: Uncertain significance (1). 3 of the submissions do not count toward it. Last evaluated 2026-10-23.

Conditions:
Alexander disease (ALXDRD). Also called: Alexander's disease. Identifiers: Orphanet 58, MedGen C0270726, MONDO:0008752, OMIM 203450.

Allele frequency attached by ClinVar (database versions not stated): gnomAD 0.00001; gnomAD exomes 0.00001.
gnomAD v4.1: 11 of 1,613,836 alleles (0.00068%); highest among the groups gnomAD compares: African/African-American, 0.0013%; no homozygotes.

Submissions (4):

ClinGen Leukodystrophy and Leukoencephalopathy Variant Curation Expert Panel, ClinGen
Classification: Uncertain significance for Alexander disease. Last evaluated: 2026-10-23. Review status: reviewed by expert panel. Criteria: ClinGen Leuko ACMG Specifications GFAP V1.0. Collection method: curation. Allele origin: germline. Inheritance: Autosomal dominant inheritance.
Comment: The c.371G>A variant in GFAP is a missense variant predicted to cause substitution of arginine by glutamine at amino acid 124 (p.Arg124Gln). This variant has been reported in a proband meeting a probable diagnosis of Alexander Disease per ClinGen Leukodystrophy and Leukoencephalopathy Expert Panel Specifications to the ACMG/AMP Variant Interpretation Guidelines for GFAP Version 1.0.0 (PS4_Supporting; Personal communication, Victorian Clinical Genetics Services, ClinVar SCV002766650.2). The Total GrpMax filtering allele frequency (the lower threshold of the 95% CI of 11/1613836) in gnomAD v4.1.0 is 0.000006816 in the Non-Finnish European population (PM2_Supporting, BS1, and BA1 not met). In summary, this variant meets the criteria to be classified as a variant of uncertain significance for Alexander disease based on the ACMG/AMP criteria applied, as specified by the ClinGen Leukodystrophy and Leukoencephalopathy Expert Panel Specifications to the ACMG/AMP Variant Interpretation Guidelines for GFAP Version 1.0.0: PS4_Supporting.

Blueprint Genetics
Classification: Uncertain significance. Last evaluated: 2024-11-18. Review status: criteria provided, single submitter. Criteria: ACMG Guidelines, 2015. Collection method: clinical testing. Allele origin: germline. Not counted in ClinVar's aggregate classification.

Labcorp Genetics (formerly Invitae), Labcorp
Classification: Uncertain significance. Last evaluated: 2024-02-24. Review status: criteria provided, single submitter. Criteria: Invitae Variant Classification Sherloc (09022015). Collection method: clinical testing. Allele origin: germline. Not counted in ClinVar's aggregate classification.
Comment: This sequence change replaces arginine, which is basic and polar, with glutamine, which is neutral and polar, at codon 124 of the GFAP protein (p.Arg124Gln). This variant is present in population databases (no rsID available, gnomAD no frequency). This variant has not been reported in the literature in individuals affected with GFAP-related conditions. ClinVar contains an entry for this variant (Variation ID: 1805327). Advanced modeling of protein sequence and biophysical properties (such as structural, functional, and spatial information, amino acid conservation, physicochemical variation, residue mobility, and thermodynamic stability) has been performed at Invitae for this missense variant, however the output from this modeling did not meet the statistical confidence thresholds required to predict the impact of this variant on GFAP protein function. In summary, the available evidence is currently insufficient to determine the role of this variant in disease. Therefore, it has been classified as a Variant of Uncertain Significance.

Victorian Clinical Genetics Services, Murdoch Childrens Research Institute
Classification: Likely pathogenic for Alexander disease. Last evaluated: 2023-12-21. Review status: criteria provided, single submitter. Criteria: ACMG Guidelines, 2015. Collection method: clinical testing. Allele origin: germline. Inheritance: Autosomal dominant inheritance. Affected: yes. Not counted in ClinVar's aggregate classification.
Comment: Based on the classification scheme VCGS_Germline_v1.3.4, this variant is classified as Likely Pathogenic. Following criteria are met: 0103 - Dominant negative and gain of function are suggested as mechanisms of disease in this gene and are associated with Alexander disease (MIM#203450). Functional studies have demonstrated both dominant negative and gain of function are possible mechanisms of disease, however, the latter is the most widely accepted mechanism (OMIM, GeneReviews, PMIDs: 11138011, 30355500, 31484723). (I) 0107 - This gene is associated with autosomal dominant disease. (I) 0200 - Variant is predicted to result in a missense amino acid change from arginine to glutamine. (I) 0251 - This variant is heterozygous. (I) 0302 - Variant is present in gnomAD (v2, v3) <0.001 for a dominant condition (2 heterozygotes, 0 homozygotes). (SP) 0309 - An alternative amino acid change at the same position has been observed in gnomAD (v2) (1 heterozygote, 0 homozygotes). (I) 0501 - Missense variant consistently predicted to be damaging by multiple in silico tools or highly conserved with a major amino acid change. (SP) 0600 - Variant is located in the annotated coil 1B region of the intermediate filament domain (NCBI, PMID: 30126635). (I) 0704 - Another missense variant comparable to the one identified in this case has limited previous evidence for pathogenicity. This alternative change (p.(Arg124Trp)) has been reported in an individual with adult Alexander disease (Manchester Centre for Genomic Medicine, personal communication). (SP) 0803 - This variant has limited previous evidence of pathogenicity in unrelated individuals. This variant has been reported once as a VUS (ClinVar), but observed in two adults with progressive tetraparesis, cognitive deficits and leukoencephalopathy, or unspecified weakness/numbness (personal communication). It was also observed by another laboratory in an individual with adult-onset Alexander disease, with features including progressive gait and eye ataxia and bulbar features with upper motor neuron signs (NHS North Thames Genomic Laboratory Hub, personal communication). (SP) 0905 - No published segregation evidence has been identified for this variant. (I) 1007 - No published functional evidence has been identified for this variant. (I) 1208 - Inheritance information for this variant is not currently available in this individual. (I) Legend: (SP) - Supporting pathogenic, (I) - Information, (SB) - Supporting benign

Literature cited by the submitters: PubMed 11138011 (cited by Victorian Clinical Genetics Services, Murdoch Childrens Research Institute); PubMed 30126635 (cited by Victorian Clinical Genetics Services, Murdoch Childrens Research Institute); PubMed 30355500 (cited by Victorian Clinical Genetics Services, Murdoch Childrens Research Institute); PubMed 31484723 (cited by Victorian Clinical Genetics Services, Murdoch Childrens Research Institute).

NM_002055.5(GFAP):c.371G>A (p.Arg124Gln)

Gene: GFAP (glial fibrillary acidic protein; minus strand). Cytogenetic location: 17q21.31.
Variant type: single nucleotide variant.
Coding change: c.371G>A on transcript NM_002055.5 (MANE Select); coding-DNA position 371, G replaced by A.
Protein change: p.Arg124Gln; replaces arginine 124 with glutamine.
Molecular consequence: missense variant.
Genome position (GRCh38, 1-based): chr17:44,915,116, C>T on the plus strand (G>A on the coding strand, the complement: GFAP is on the minus strand). VCF-style: chr17-44915116-C-T. GRCh37 (hg19) VCF-style: chr17-42992484-C-T.
Other names: NM_002055.5(GFAP):c.371G>A; p.Arg124Gln; c.371G>A, p.Arg124Gln (NM_001131019.3, NM_001242376.3, NM_001363846.2); short protein forms R124Q.
Identifiers: ClinVar variation 1805327 (VCV001805327.9), dbSNP rs1185404768, ClinGen allele CA399848233.